The following is an entry in ClinVar:

ClinVar aggregate classification (germline): Uncertain significance (1 of 4 stars; one submission).

Conditions:
Hereditary cancer-predisposing syndrome. Also called: Neoplastic Syndromes, Hereditary; Tumor predisposition; Hereditary neoplastic syndrome; Hereditary Cancer Syndrome. Identifiers: Orphanet 140162, MedGen C0027672, MeSH D009386, MONDO:0015356.

gnomAD v4.1: 1 of 1,612,440 alleles (0.000062%); highest among the groups gnomAD compares: Non-Finnish European, 0.000085%; no homozygotes.

Submission:

Ambry Genetics
Classification: Uncertain significance for Hereditary cancer-predisposing syndrome. Last evaluated: 2026-07-07. Review status: criteria provided, single submitter. Criteria: Ambry Variant Classification Scheme 2023. Collection method: clinical testing. Allele origin: germline.
Comment: The p.V874L variant (also known as c.2620G>C), located in coding exon 11 of the MET gene, results from a G to C substitution at nucleotide position 2620. The valine at codon 874 is replaced by leucine, an amino acid with highly similar properties. This amino acid position is conserved. In addition, the in silico prediction for this alteration is inconclusive. Based on the available evidence, the clinical significance of this variant remains unclear.

NM_000245.4(MET):c.2620G>C (p.Val874Leu)

Gene: MET (MET proto-oncogene, receptor tyrosine kinase; plus strand). Cytogenetic location: 7q31.2.
Variant type: single nucleotide variant.
Coding change: c.2620G>C on transcript NM_000245.4 (MANE Select); coding-DNA position 2620, G replaced by C.
Protein change: p.Val874Leu; replaces valine 874 with leucine.
Molecular consequence: missense variant.
Genome position (GRCh38, 1-based): chr7:116,769,681, G>C. VCF-style: chr7-116769681-G-C. GRCh37 (hg19) VCF-style: chr7-116409735-G-C.
Other names: c.2674G>C, p.Val892Leu (NM_001127500.3); c.2620G>C, p.Val874Leu (NM_001324401.3); c.1330G>C, p.Val444Leu (NM_001324402.2); short protein forms V444L, V874L, V892L.
Identifiers: ClinVar variation 5024399 (VCV005024399.1).